The following is an entry in ClinVar:

NM_000214.3(JAG1):c.303C>G (p.Val101=)

Gene: JAG1 (jagged canonical Notch ligand 1; minus strand). Cytogenetic location: 20p12.2.
Variant type: single nucleotide variant.
Coding change: c.303C>G on transcript NM_000214.3 (MANE Select); coding-DNA position 303, C replaced by G.
Protein change: p.Val101=; no amino-acid change (valine 101 retained).
Molecular consequence: synonymous variant.
Genome position (GRCh38, 1-based): chr20:10,672,785, G>C on the plus strand (C>G on the coding strand, the complement: JAG1 is on the minus strand). VCF-style: chr20-10672785-G-C. GRCh37 (hg19) VCF-style: chr20-10653433-G-C.
Identifiers: ClinVar variation 2586939 (VCV002586939.5), dbSNP rs1212837838, ClinGen allele CA509816784.

ClinVar aggregate classification (germline): Likely benign. Review status: criteria provided, multiple submitters, no conflicts (2 of 4 stars). 3 submissions from 3 submitters: Likely benign (3). Last evaluated 2026-09-21.

Conditions:
JAG1-related disorder. Also called: JAG1-related condition; JAG1-related disorders.
Cardiovascular phenotype. Identifiers: MedGen CN230736.
Alagille syndrome due to a JAG1 point mutation. Also called: HEPATIC DUCTULAR HYPOPLASIA, SYNDROMATIC; Alagille Syndrome 1; JAG1-Related Alagille Syndrome. Identifiers: Orphanet 261619, Orphanet 52, MedGen C1956125, MONDO:0016862, OMIM 118450.

Allele frequency attached by ClinVar (database versions not stated): TOPMed 0.00002.
gnomAD v4.1: 1 of 1,613,090 alleles (0.000062%); highest among the groups gnomAD compares: African/African-American, 0.0013%; no homozygotes.

Submissions (3):

PreventionGenetics, part of Exact Sciences
Classification: Likely benign for JAG1-related condition. Last evaluated: 2026-09-21. Review status: criteria provided, single submitter. Criteria: ACMG Guidelines, 2015. Collection method: clinical testing. Allele origin: germline.
Comment: This variant is classified as likely benign based on ACMG/AMP sequence variant interpretation guidelines (Richards et al. 2015 PMID: 25741868, with internal and published modifications).

Labcorp Genetics (formerly Invitae), Labcorp
Classification: Likely benign for Alagille syndrome due to a JAG1 point mutation. Last evaluated: 2024-06-15. Review status: criteria provided, single submitter. Criteria: Invitae Variant Classification Sherloc (09022015). Collection method: clinical testing. Allele origin: germline.

Ambry Genetics
Classification: Likely benign for Cardiovascular phenotype. Last evaluated: 2023-07-13. Review status: criteria provided, single submitter. Criteria: Ambry Variant Classification Scheme 2023. Collection method: clinical testing. Allele origin: germline.